The following is an entry in ClinVar:

NM_001170629.2(CHD8):c.4210C>T (p.Gln1404Ter)

Gene: CHD8 (chromodomain helicase DNA binding protein 8; minus strand). Cytogenetic location: 14q11.2.
Variant type: single nucleotide variant.
Coding change: c.4210C>T on transcript NM_001170629.2 (MANE Select); coding-DNA position 4210, C replaced by T.
Protein change: p.Gln1404Ter; replaces glutamine 1404 with a stop codon.
Molecular consequence: nonsense.
Genome position (GRCh38, 1-based): chr14:21,401,035, G>A on the plus strand (C>T on the coding strand, the complement: CHD8 is on the minus strand). VCF-style: chr14-21401035-G-A. GRCh37 (hg19) VCF-style: chr14-21869194-G-A.
Other names: c.3373C>T, p.Gln1125Ter (NM_020920.4); short protein forms Q1125*, Q1404*.
Identifiers: ClinVar variation 1212794 (VCV001212794.3), dbSNP rs1555314489, ClinGen allele CA388895669.

ClinVar aggregate classification (germline): Pathogenic (1 of 4 stars; one submission).

Submission:

GeneDx
Classification: Pathogenic. Last evaluated: 2020-02-11. Review status: criteria provided, single submitter. Criteria: GeneDx Variant Classification Process June 2021. Collection method: clinical testing. Allele origin: germline. Affected: yes.
Comment: Nonsense variant predicted to result in protein truncation or nonsense mediated decay in a gene for which loss-of-function is a known mechanism of disease; Not observed in large population cohorts (Lek et al., 2016); Has not been previously published as pathogenic or benign to our knowledge